The following is an entry in ClinVar:

NM_001015877.2(PHF6):c.392A>T (p.His131Leu)

Gene: PHF6 (PHD finger protein 6; plus strand). Cytogenetic location: Xq26.2.
Variant type: single nucleotide variant.
Coding change: c.392A>T on transcript NM_001015877.2 (MANE Select); coding-DNA position 392, A replaced by T.
Protein change: p.His131Leu; replaces histidine 131 with leucine.
Molecular consequence: missense variant.
Genome position (GRCh38, 1-based): chrX:134,393,926, A>T. VCF-style: chrX-134393926-A-T. GRCh37 (hg19) VCF-style: chrX-133527956-A-T.
Other names: c.392A>T, p.His131Leu (NM_032335.3, NM_032458.3); short protein forms H131L.
Identifiers: ClinVar variation 2661473 (VCV002661473.24), dbSNP rs2520543421, ClinGen allele CA414711890.

ClinVar aggregate classification (germline): Likely pathogenic (1 of 4 stars; one submission).

Submission:

CeGaT Center for Human Genetics Tuebingen
Classification: Likely pathogenic. Last evaluated: 2023-10-01. Review status: criteria provided, single submitter. Criteria: CeGaT Center For Human Genetics Tuebingen Variant Classification Criteria Version 2. Collection method: clinical testing. Allele origin: germline. Affected: yes. Observed: 1 variant allele.
Comment: PHF6: PM2, PS2:Moderate, PP2, PP3